The following is an entry in ClinVar:

ClinVar aggregate classification (germline): Conflicting classifications of pathogenicity. Review status: criteria provided, conflicting classifications (1 of 4 stars). 3 submissions from 3 submitters: Pathogenic (2); Uncertain significance (1). Last evaluated 2024-12-27.

Conditions:
Hereditary cancer-predisposing syndrome. Also called: Hereditary Cancer Syndrome; Neoplastic Syndromes, Hereditary; Tumor predisposition; Hereditary neoplastic syndrome. Identifiers: Orphanet 140162, MedGen C0027672, MeSH D009386, MONDO:0015356.
Cardiovascular phenotype. Identifiers: MedGen CN230736.
Neurofibromatosis, type 1 (NF1). Also called: VON RECKLINGHAUSEN DISEASE; Peripheral type neurofibromatosis; Neurofibromatosis, type I; NEUROFIBROMATOSIS, TYPE I, SOMATIC. Identifiers: Orphanet 636, MedGen C0027831, MONDO:0018975, OMIM 162200. Disease mechanism: loss of function.

Submissions (3):

Ambry Genetics
Classification: Uncertain significance for Cardiovascular phenotype; Hereditary cancer-predisposing syndrome. Last evaluated: 2024-12-27. Review status: criteria provided, single submitter. Criteria: Ambry Variant Classification Scheme 2023. Collection method: clinical testing. Allele origin: germline.
Comment: The p.F2361L variant (also known as c.7083C>G), located in coding exon 47 of the NF1 gene, results from a C to G substitution at nucleotide position 7083. The phenylalanine at codon 2361 is replaced by leucine, an amino acid with highly similar properties. This variant was reported in individual(s) with features consistent with Neurofibromatosis type 1; in at least one individual, it was determined to be de novo (Burkitt Wright EM et al. J Med Genet, 2013 Sep;50:606-13; Yao R et al. Genes (Basel), 2019 Oct;10:). This amino acid position is highly conserved in available vertebrate species. In addition, the in silico prediction for this alteration is inconclusive. Based on the available evidence, the clinical significance of this variant remains unclear.

Labcorp Genetics (formerly Invitae), Labcorp
Classification: Pathogenic for Neurofibromatosis, type 1. Last evaluated: 2022-07-01. Review status: criteria provided, single submitter. Criteria: Invitae Variant Classification Sherloc (09022015). Collection method: clinical testing. Allele origin: germline.
Comment: For these reasons, this variant has been classified as Pathogenic. Advanced modeling of protein sequence and biophysical properties (such as structural, functional, and spatial information, amino acid conservation, physicochemical variation, residue mobility, and thermodynamic stability) performed at Invitae indicates that this missense variant is expected to disrupt NF1 protein function. ClinVar contains an entry for this variant (Variation ID: 1352215). This missense change has been observed in individual(s) with clinical features of neurofibromatosis type 1 (PMID: 23812910, 31717729). In at least one individual the variant was observed to be de novo. This variant is not present in population databases (gnomAD no frequency). This sequence change replaces phenylalanine, which is neutral and non-polar, with leucine, which is neutral and non-polar, at codon 2361 of the NF1 protein (p.Phe2361Leu).

Sun Health (Beijing), Ltd.
Classification: Pathogenic for Neurofibromatosis, type 1. Review status: criteria provided, single submitter. Criteria: ACMG Guidelines, 2015. Collection method: clinical testing. Allele origin: de novo. Affected: yes.
Comment: Neurofibromatosis Type 1 (NF1) is an autosomal dominant disorder caused by mutations in the NF1 gene located at chromosome 17q11.2. This condition is characterized by highly recognizable clinical features, including cutaneous café-au-lait macules, multiple neurofibromas, Lisch nodules of the iris, and optic pathway gliomas, with potential multisystem involvement affecting the skin, nervous system, bones, gastrointestinal tract, and cardiovascular system. According to published literature, 31 cases of NF1 with relatively complete clinical data have been documented. Among these, the majority were reported in the United States (51.5%, 17/33), followed by China (18.2%, 6/33). In this study, we report a novel NF1 heterozygous variant (c.7083C>G, p.Phe2361Leu) that has not been previously described in existing case reports or recorded in the HGMD Professional database.This variant was validated by Sanger sequencing, and parental origin analysis demonstrated the absence of the variant in either parent, indicating a de novo mutation. According to the 2015 guidelines of the American College of Medical Genetics and Genomics (ACMG) (criteria PS2, PM2, PP2, PP3, and PP4), this missense mutation is classified as a likely pathogenic variant.

Literature cited by the submitters: PubMed 23812910 (cited by Ambry Genetics and Labcorp Genetics (formerly Invitae), Labcorp); PubMed 31717729 (cited by Ambry Genetics and Labcorp Genetics (formerly Invitae), Labcorp); PubMed 10712197 (cited by Sun Health (Beijing), Ltd.).

NM_001042492.3(NF1):c.7146C>G (p.Phe2382Leu)

Gene: NF1 (neurofibromin 1; plus strand). Cytogenetic location: 17q11.2.
Variant type: single nucleotide variant.
Coding change: c.7146C>G on transcript NM_001042492.3 (MANE Select); coding-DNA position 7146, C replaced by G.
Protein change: p.Phe2382Leu; replaces phenylalanine 2382 with leucine.
Molecular consequence: missense variant.
Genome position (GRCh38, 1-based): chr17:31,343,092, C>G. VCF-style: chr17-31343092-C-G. GRCh37 (hg19) VCF-style: chr17-29670110-C-G.
Other names: c.7083C>G, p.Phe2361Leu (NM_000267.4); short protein forms F2382L, F2361L.
Identifiers: ClinVar variation 1352215 (VCV001352215.8), dbSNP rs2151565177, ClinGen allele CA399015692.